The following is an entry in ClinVar:

NM_001267550.2(TTN):c.29334del (p.Glu9779fs)

Gene: TTN (titin; minus strand). Cytogenetic location: 2q31.2.
Variant type: Deletion.
Coding change: c.29334del on transcript NM_001267550.2 (MANE Select); coding-DNA position 29334, one base deleted (T; older notation c.29334delT).
Protein change: p.Glu9779fs; shifts the reading frame from glutamic acid 9779.
Molecular consequence: frameshift variant. On other transcripts: intron variant (3).
Genome position (GRCh38, 1-based): chr2:178,706,540, A deleted on the plus strand (T on the coding strand, the reverse complement: TTN is on the minus strand). VCF-style (leftmost placement, unchanged base first): chr2-178706539-CA-C. GRCh37 (hg19) VCF-style: chr2-179571266-CA-C.
Other names: c.28383del, p.Glu9462fs (NM_001256850.1); c.25602del, p.Glu8535fs (NM_133378.4); c.13282+31542del (NM_003319.4); c.13858+31542del (NM_133437.4); c.13657+31542del (NM_133432.3); short protein forms E8535fs, E9779fs, E9462fs.
Identifiers: ClinVar variation 2143843 (VCV002143843.4), dbSNP rs2075900501, ClinGen allele CA1039716933.

ClinVar aggregate classification (germline): Likely pathogenic (1 of 4 stars; one submission).

Conditions:
Dilated cardiomyopathy 1G (CMD1G). Identifiers: Orphanet 154, MedGen C1858763, MONDO:0011400, OMIM 604145.
Autosomal recessive limb-girdle muscular dystrophy type 2J (LGMDR10). Also called: Limb-girdle muscular dystrophy, type 2J; MUSCULAR DYSTROPHY, LIMB-GIRDLE, AUTOSOMAL RECESSIVE 10. Identifiers: Orphanet 140922, MedGen C1837342, MONDO:0012127, OMIM 608807.

Allele frequency attached by ClinVar (database versions not stated): gnomAD exomes below 0.00001; TOPMed below 0.00001; gnomAD 0.00001.

Submission:

Labcorp Genetics (formerly Invitae), Labcorp
Classification: Likely pathogenic for Dilated cardiomyopathy 1G; Autosomal recessive limb-girdle muscular dystrophy type 2J. Last evaluated: 2024-10-18. Review status: criteria provided, single submitter. Criteria: Invitae Variant Classification Sherloc (09022015). Collection method: clinical testing. Allele origin: germline.
Comment: This sequence change creates a premature translational stop signal (p.Glu9779Lysfs*27) in the TTN gene. While this is not anticipated to result in nonsense mediated decay, it is expected to create a truncated TTN protein. This variant is not present in population databases (gnomAD no frequency). This variant has not been reported in the literature in individuals affected with TTN-related conditions. ClinVar contains an entry for this variant (Variation ID: 2143843). This variant is located in the I band of TTN (PMID: 25589632). Truncating variants in this region have been reported in individuals affected with autosomal recessive centronuclear myopathy (PMID: 23975875, internal data). Truncating variants in this region have also been identified in individuals affected with autosomal dominant dilated cardiomyopathy and/or cardio-related conditions (PMID: 27869827, 32964742, internal data). In summary, the currently available evidence indicates that the variant is pathogenic, but additional data are needed to prove that conclusively. Therefore, this variant has been classified as Likely Pathogenic.

Literature cited by the submitters: PubMed 25589632; PubMed 23975875; PubMed 27869827; PubMed 32964742.